The following is an entry in ClinVar:

ClinVar aggregate classification (germline): Uncertain significance (1 of 4 stars; one submission).

Conditions:
Juvenile polyposis syndrome (JPS). Identifiers: Orphanet 2929, MedGen C0345893, MONDO:0017380, OMIM 174900.

Submission:

Labcorp Genetics (formerly Invitae), Labcorp
Classification: Uncertain significance for Juvenile polyposis syndrome. Last evaluated: 2020-01-23. Review status: criteria provided, single submitter. Criteria: Invitae Variant Classification Sherloc (09022015). Collection method: clinical testing. Allele origin: germline.
Comment: In summary, the available evidence is currently insufficient to determine the role of this variant in disease. Therefore, it has been classified as a Variant of Uncertain Significance. Algorithms developed to predict the effect of missense changes on protein structure and function are either unavailable or do not agree on the potential impact of this missense change (SIFT: "Tolerated"; PolyPhen-2: "Probably Damaging"; Align-GVGD: "Class C0"). This variant has not been reported in the literature in individuals with BMPR1A-related conditions. This variant is not present in population databases (ExAC no frequency). This sequence change replaces leucine with phenylalanine at codon 497 of the BMPR1A protein (p.Leu497Phe). The leucine residue is highly conserved and there is a small physicochemical difference between leucine and phenylalanine.

NM_004329.3(BMPR1A):c.1491G>C (p.Leu497Phe)

Gene: BMPR1A (bone morphogenetic protein receptor type 1A; plus strand). Cytogenetic location: 10q23.2.
Variant type: single nucleotide variant.
Coding change: c.1491G>C on transcript NM_004329.3 (MANE Select); coding-DNA position 1491, G replaced by C.
Protein change: p.Leu497Phe; replaces leucine 497 with phenylalanine.
Molecular consequence: missense variant.
Genome position (GRCh38, 1-based): chr10:86,923,611, G>C. VCF-style: chr10-86923611-G-C. GRCh37 (hg19) VCF-style: chr10-88683368-G-C.
Other names: short protein forms L497F.
Identifiers: ClinVar variation 1015345 (VCV001015345.10), dbSNP rs1554891647, ClinGen allele CA377463712.